The following is an entry in ClinVar:

ClinVar aggregate classification (germline): Likely pathogenic (1 of 4 stars; one submission).

Conditions:
Medium-chain acyl-coenzyme A dehydrogenase deficiency (ACADMD). Also called: CARNITINE DEFICIENCY SECONDARY TO MEDIUM-CHAIN ACYL-CoA DEHYDROGENASE DEFICIENCY; MCADH DEFICIENCY; MCADD; Medium chain acyl-CoA dehydrogenase deficiency; MCAD Deficiency; ACADM DEFICIENCY. Identifiers: Orphanet 42, MedGen C0220710, MONDO:0008721, OMIM 201450.

Submission:

Labcorp Genetics (formerly Invitae), Labcorp
Classification: Likely pathogenic for Medium-chain acyl-coenzyme A dehydrogenase deficiency. Last evaluated: 2021-01-08. Review status: criteria provided, single submitter. Criteria: Invitae Variant Classification Sherloc (09022015). Collection method: clinical testing. Allele origin: germline.
Comment: In summary, the currently available evidence indicates that the variant is pathogenic, but additional data are needed to prove that conclusively. Therefore, this variant has been classified as Likely Pathogenic. This variant has not been reported in the literature in individuals with ACADM-related conditions. This variant results in a copy number gain of the genomic region encompassing exon(s) 5-7 of the ACADM gene. While the exact position of this variant cannot be determined from the data, sub-genic copy number gains are generally in tandem (PMID: 25640679). This variant is predicted to be out-of-frame, and may result in an absent or disrupted protein product. Loss-of-function variants in ACADM are known to be pathogenic (PMID: 16121256, 20434380).

Literature cited by the submitters: PubMed 25640679; PubMed 16121256; PubMed 20434380.

NC_000001.10:g.(?_76199203)_(76205805_?)dup

Gene: ACADM (acyl-CoA dehydrogenase medium chain; plus strand). Cytogenetic location: 1p31.1.
Variant type: Duplication.
Identifiers: ClinVar variation 1525462 (VCV001525462.4).